The following is an entry in ClinVar:

NM_014283.5(SUCO):c.1285G>A (p.Val429Ile)

Gene: SUCO (SUN domain containing ossification factor; plus strand). Cytogenetic location: 1q24.3.
Variant type: single nucleotide variant.
Coding change: c.1285G>A on transcript NM_014283.5 (MANE Select); coding-DNA position 1285, G replaced by A.
Protein change: p.Val429Ile; replaces valine 429 with isoleucine.
Molecular consequence: missense variant. On other transcripts: 5 prime UTR variant (1).
Genome position (GRCh38, 1-based): chr1:172,577,764, G>A. VCF-style: chr1-172577764-G-A. GRCh37 (hg19) VCF-style: chr1-172546904-G-A.
Other names: c.1174G>A, p.Val392Ile (NM_001282750.2); c.-245G>A (NM_001282751.2); c.1738G>A, p.Val580Ile (NM_016227.4); short protein forms V392I, V429I, V580I.
Identifiers: ClinVar variation 2913785 (VCV002913785.3), dbSNP rs775409256, ClinGen allele CA1246826.

ClinVar aggregate classification (germline): Uncertain significance (1 of 4 stars; one submission).

Allele frequency attached by ClinVar (database versions not stated): gnomAD exomes below 0.00001; gnomAD 0.00001; TOPMed 0.00001; ExAC 0.00002.
gnomAD v4.1: 7 of 1,611,064 alleles (0.00043%); highest among the groups gnomAD compares: East Asian, 0.013%; no homozygotes.

Submission:

Labcorp Genetics (formerly Invitae), Labcorp
Classification: Uncertain significance. Last evaluated: 2023-01-08. Review status: criteria provided, single submitter. Criteria: Invitae Variant Classification Sherloc (09022015). Collection method: clinical testing. Allele origin: germline.
Comment: In summary, the available evidence is currently insufficient to determine the role of this variant in disease. Therefore, it has been classified as a Variant of Uncertain Significance. Algorithms developed to predict the effect of sequence changes on RNA splicing suggest that this variant may disrupt the consensus splice site. Algorithms developed to predict the effect of missense changes on protein structure and function are either unavailable or do not agree on the potential impact of this missense change (SIFT: "Tolerated"; PolyPhen-2: "Possibly Damaging"; Align-GVGD: "Class C0"). This variant has not been reported in the literature in individuals affected with SUCO-related conditions. This variant is present in population databases (rs775409256, gnomAD 0.03%). This sequence change replaces valine, which is neutral and non-polar, with isoleucine, which is neutral and non-polar, at codon 429 of the SUCO protein (p.Val429Ile).